The following is an entry in ClinVar:

ClinVar aggregate classification (germline): Uncertain significance (1 of 4 stars; one submission).

Conditions:
Inborn genetic diseases. Identifiers: MedGen C0950123, MeSH D030342.

Submission:

Ambry Genetics
Classification: Uncertain significance for Inborn genetic diseases. Last evaluated: 2025-06-14. Review status: criteria provided, single submitter. Criteria: Ambry Variant Classification Scheme 2023. Collection method: clinical testing. Allele origin: germline.
Comment: The p.L632F variant (also known as c.1896G>T), located in coding exon 1 of the SAMD9 gene, results from a G to T substitution at nucleotide position 1896. The leucine at codon 632 is replaced by phenylalanine, an amino acid with highly similar properties. This amino acid position is conserved. In addition, this alteration is predicted to be tolerated by in silico analysis. Based on the available evidence, the clinical significance of this variant remains unclear.

NM_017654.4(SAMD9):c.1896G>T (p.Leu632Phe)

Gene: SAMD9 (sterile alpha motif domain containing 9; minus strand). Cytogenetic location: 7q21.2.
Variant type: single nucleotide variant.
Coding change: c.1896G>T on transcript NM_017654.4 (MANE Select); coding-DNA position 1896, G replaced by T.
Protein change: p.Leu632Phe; replaces leucine 632 with phenylalanine.
Molecular consequence: missense variant.
Genome position (GRCh38, 1-based): chr7:93,104,202, C>A on the plus strand (G>T on the coding strand, the complement: SAMD9 is on the minus strand). VCF-style: chr7-93104202-C-A. GRCh37 (hg19) VCF-style: chr7-92733515-C-A.
Other names: c.1896G>T, p.Leu632Phe (NM_001193307.2); short protein forms L632F.
Identifiers: ClinVar variation 3949737 (VCV003949737.1).
Genomic context (GRCh38, chr7:93,104,202, plus strand): 5'-CAGAGCAGTCATGATATCTTCTTCCTTTTTCAGAAGGACAGTCGATAAACCAATAGATGG[C>A]AAAAGCCTTTTTGAAGATTGAGTCACAGATTTTAGTTTAAGAATAGTGCCATTGATCTCT-3'
Protein context (NP_060124.2, residues 622-642): KSVTQSSKRL[Leu632Phe]PSIGLSTVLL